The following is an entry in ClinVar:

ClinVar aggregate classification (germline): Pathogenic (1 of 4 stars; one submission).

Allele frequency attached by ClinVar (database versions not stated): TOPMed below 0.00001.

Submission:

GeneDx
Classification: Pathogenic. Last evaluated: 2016-04-25. Review status: criteria provided, single submitter. Criteria: GeneDx Variant Classification (06012015). Collection method: clinical testing. Allele origin: germline. Affected: yes.
Comment: The c.3428dupT pathogenic variant in the ASPM gene causes a frameshift starting with codonLeucine 1144, changes this amino acid to a Valine residue and creates a premature Stop codon atposition 16 of the new reading frame, denoted p.Leu1144ValfsX16. It is predicted to cause loss ofprotein function either through protein truncation or nonsense-mediated mRNA decay.

NM_018136.5(ASPM):c.3428dup (p.Leu1144fs)

Gene: ASPM (assembly factor for spindle microtubules; minus strand). Cytogenetic location: 1q31.3.
Variant type: Duplication.
Coding change: c.3428dup on transcript NM_018136.5 (MANE Select); coding-DNA position 3428, one base duplicated (T; older notation c.3428dupT).
Protein change: p.Leu1144fs; shifts the reading frame from leucine 1144.
Molecular consequence: frameshift variant.
Genome position (GRCh38, 1-based): chr1:197,122,558, A duplicated on the plus strand (T on the coding strand, the reverse complement: ASPM is on the minus strand). VCF-style (leftmost placement, unchanged base first): chr1-197122557-C-CA. GRCh37 (hg19) VCF-style: chr1-197091687-C-CA.
Other names: c.3428dup, p.Leu1144fs (NM_001206846.2); short protein forms L1144fs.
Identifiers: ClinVar variation 280533 (VCV000280533.2), dbSNP rs886041721, ClinGen allele CA10602748.